The following is an entry in ClinVar:

ClinVar aggregate classification (germline): Pathogenic (1 of 4 stars; one submission).

Conditions:
Hereditary cancer-predisposing syndrome. Also called: Neoplastic Syndromes, Hereditary; Tumor predisposition; Hereditary Cancer Syndrome; Hereditary neoplastic syndrome. Identifiers: Orphanet 140162, MedGen C0027672, MeSH D009386, MONDO:0015356.

Submission:

Ambry Genetics
Classification: Pathogenic for Hereditary cancer-predisposing syndrome. Last evaluated: 2025-04-22. Review status: criteria provided, single submitter. Criteria: Ambry Variant Classification Scheme 2023. Collection method: clinical testing. Allele origin: germline.
Comment: The c.6145_6146insGT pathogenic mutation, located in coding exon 41 of the ATM gene, results from an insertion of two nucleotides at position 6145, causing a translational frameshift with a predicted alternate stop codon (p.Y2049Cfs*34). This variant is considered to be rare based on population cohorts in the Genome Aggregation Database (gnomAD). This alteration is expected to result in loss of function by premature protein truncation or nonsense-mediated mRNA decay. As such, this alteration is interpreted as a disease-causing mutation.

NM_000051.4(ATM):c.6145_6146insGT (p.Tyr2049fs)

Genes: ATM (ATM serine/threonine kinase; plus strand), C11orf65 (chromosome 11 open reading frame 65; minus strand). Cytogenetic location: 11q22.3.
Variant type: Insertion.
Coding change: c.6145_6146insGT on transcript NM_000051.4 (MANE Select); coding-DNA positions 6145 to 6146, GT inserted.
Protein change: p.Tyr2049fs; shifts the reading frame from tyrosine 2049.
Molecular consequence: frameshift variant. On other transcripts: intron variant (2).
Genome position: GRCh38 VCF-style: chr11-108316059-A-ATG. GRCh37 (hg19) VCF-style: chr11-108186786-A-ATG.
Other names: c.6145_6146insGT, p.Tyr2049fs (NM_001351834.2); c.641-6989_641-6988insAC (NM_001330368.2); c.*39-6989_*39-6988insAC (NM_001351110.2); short protein forms Y2049fs.
Identifiers: ClinVar variation 3966220 (VCV003966220.1).